The following is an entry in ClinVar:

ClinVar aggregate classification (germline): Uncertain significance. Review status: criteria provided, multiple submitters, no conflicts (2 of 4 stars). 2 submissions from 2 submitters: Uncertain significance (2). Last evaluated 2025-11-24.

Allele frequency attached by ClinVar (database versions not stated): gnomAD exomes below 0.00001; gnomAD 0.00001; TOPMed 0.00001.
gnomAD v4.1: 2 of 1,614,088 alleles (0.00012%); highest among the groups gnomAD compares: African/African-American, 0.0027%; no homozygotes.

Submissions (2):

Labcorp Genetics (formerly Invitae), Labcorp
Classification: Uncertain significance. Last evaluated: 2025-11-24. Review status: criteria provided, single submitter. Criteria: Invitae Variant Classification Sherloc (09022015). Collection method: clinical testing. Allele origin: germline.
Comment: This sequence change replaces proline, which is neutral and non-polar, with leucine, which is neutral and non-polar, at codon 532 of the HYOU1 protein (p.Pro532Leu). This variant is present in population databases (no rsID available, gnomAD 0.008%). This variant has not been reported in the literature in individuals affected with HYOU1-related conditions. ClinVar contains an entry for this variant (Variation ID: 1357593). An algorithm developed to predict the effect of missense changes on protein structure and function (PolyPhen-2) suggests that this variant is likely to be tolerated. In summary, the available evidence is currently insufficient to determine the role of this variant in disease. Therefore, it has been classified as a Variant of Uncertain Significance.

Ambry Genetics
Classification: Uncertain significance. Last evaluated: 2024-08-26. Review status: criteria provided, single submitter. Criteria: Ambry Variant Classification Scheme 2023. Collection method: clinical testing. Allele origin: germline.

NM_006389.5(HYOU1):c.1595C>T (p.Pro532Leu)

Gene: HYOU1 (hypoxia up-regulated 1; minus strand). Cytogenetic location: 11q23.3.
Variant type: single nucleotide variant.
Coding change: c.1595C>T on transcript NM_006389.5 (MANE Select); coding-DNA position 1595, C replaced by T.
Protein change: p.Pro532Leu; replaces proline 532 with leucine.
Molecular consequence: missense variant.
Genome position (GRCh38, 1-based): chr11:119,051,105, G>A on the plus strand (C>T on the coding strand, the complement: HYOU1 is on the minus strand). VCF-style: chr11-119051105-G-A. GRCh37 (hg19) VCF-style: chr11-118921817-G-A.
Other names: c.1595C>T, p.Pro532Leu (NM_001130991.3); c.1595C>T (NM_006389.3); short protein forms P532L.
Identifiers: ClinVar variation 1357593 (VCV001357593.9), dbSNP rs1162439499, ClinGen allele CA382936885.